The following is an entry in ClinVar:

NM_000091.5(COL4A3):c.*1869C>A

Genes: COL4A3 (collagen type IV alpha 3 chain; plus strand), MFF-DT (MFF divergent transcript; minus strand). Cytogenetic location: 2q36.3.
Variant type: single nucleotide variant.
Coding change: c.*1869C>A on transcript NM_000091.5 (MANE Select); 1869 bases downstream of the stop codon, C replaced by A.
Molecular consequence: 3 prime UTR variant.
Genome position (GRCh38, 1-based): chr2:227,313,739, C>A. VCF-style: chr2-227313739-C-A. GRCh37 (hg19) VCF-style: chr2-228178455-C-A.
Identifiers: ClinVar variation 899205 (VCV000899205.4), dbSNP rs77842807, ClinGen allele CA66624765.

ClinVar aggregate classification (germline): Benign (1 of 4 stars; one submission).

Conditions:
Alport syndrome. Also called: Hemorrhagic familial nephritis; Hemorrhagic hereditary nephritis; Congenital hereditary hematuria. Identifiers: Orphanet 63, MedGen C1567741, MONDO:0018965.

Allele frequency attached by ClinVar (database versions not stated): gnomAD 0.00688 and 0.00730; TOPMed 0.00760; 1000 Genomes Project 0.00919; 1000 Genomes Project 30x 0.00921.

Submission:

Illumina Laboratory Services, Illumina
Classification: Benign for Alport syndrome. Last evaluated: 2018-01-12. Review status: criteria provided, single submitter. Criteria: ICSL Variant Classification Criteria 13 December 2019. Collection method: clinical testing. Allele origin: germline.
Comment: This variant was observed in the ICSL laboratory as part of a predisposition screen in an ostensibly healthy population. It had not been previously curated by ICSL or reported in the Human Gene Mutation Database (HGMD: prior to June 1st, 2018), and was therefore a candidate for classification through an automated scoring system. Utilizing variant allele frequency, disease prevalence and penetrance estimates, and inheritance mode, an automated score was calculated to assess if this variant is too frequent to cause the disease. Based on the score and internal cut-off values, a variant classified as benign is not then subjected to further curation. The score for this variant resulted in a classification of benign for this disease.